The following is an entry in ClinVar:

ClinVar aggregate classification (germline): Likely benign. Review status: criteria provided, multiple submitters, no conflicts (2 of 4 stars). 2 submissions from 2 submitters: Likely benign (2). Last evaluated 2025-12-03.

Conditions:
Adams-Oliver syndrome 5 (AOS5). Identifiers: Orphanet 974, MedGen C4014970, MONDO:0014459, OMIM 616028.

Allele frequency attached by ClinVar (database versions not stated): ExAC 0.00003.

Submissions (2):

Labcorp Genetics (formerly Invitae), Labcorp
Classification: Likely benign for Adams-Oliver syndrome 5. Last evaluated: 2025-12-03. Review status: criteria provided, single submitter. Criteria: Invitae Variant Classification Sherloc (09022015). Collection method: clinical testing. Allele origin: germline.

CeGaT Center for Human Genetics Tuebingen
Classification: Likely benign. Last evaluated: 2022-11-01. Review status: criteria provided, single submitter. Criteria: CeGaT Center For Human Genetics Tuebingen Variant Classification Criteria Version 2. Collection method: clinical testing. Allele origin: germline. Affected: yes. Observed: 1 variant allele.
Comment: NOTCH1: BP4

NM_017617.5(NOTCH1):c.5472+8G>T

Gene: NOTCH1 (notch receptor 1; minus strand). Cytogenetic location: 9q34.3.
Variant type: single nucleotide variant.
Coding change: c.5472+8G>T on transcript NM_017617.5 (MANE Select); 8 bases into the intron after coding-DNA position 5472, G replaced by T.
Molecular consequence: intron variant.
Genome position (GRCh38, 1-based): chr9:136,501,993, C>A on the plus strand (G>T on the coding strand, the complement: NOTCH1 is on the minus strand). VCF-style: chr9-136501993-C-A. GRCh37 (hg19) VCF-style: chr9-139396445-C-A.
Identifiers: ClinVar variation 2659746 (VCV002659746.27), dbSNP rs776640246, ClinGen allele CA5340260.
Genomic context (GRCh38, chr9:136,501,993, plus strand): 5'-AGAGCCTGTCAGGGCAGCCCGGCAGCAGGTGCCCGGGAGCCCAGGAGCCCGGGAGCCTCG[C>A]GACTCACCCGGAACTTCTTGGTCTCCAGGTCCTCGTCCCCCCACTCATTCTGGTTGTCGT-3'